The following is an entry in ClinVar:

ClinVar aggregate classification (germline): Uncertain significance (1 of 4 stars; one submission).

Submission:

Ambry Genetics
Classification: Uncertain significance. Last evaluated: 2024-07-25. Review status: criteria provided, single submitter. Criteria: Ambry Variant Classification Scheme 2023. Collection method: clinical testing. Allele origin: germline.
Comment: The p.T1062N variant (also known as c.3185C>A), located in coding exon 1 of the MLH3 gene, results from a C to A substitution at nucleotide position 3185. The threonine at codon 1062 is replaced by asparagine, an amino acid with similar properties. This amino acid position is conserved. In addition, the in silico prediction for this alteration is inconclusive. Since supporting evidence is limited at this time, the clinical significance of this alteration remains unclear.

NM_001040108.2(MLH3):c.3185C>A (p.Thr1062Asn)

Gene: MLH3 (mutL homolog 3; minus strand). Cytogenetic location: 14q24.3.
Variant type: single nucleotide variant.
Coding change: c.3185C>A on transcript NM_001040108.2 (MANE Select); coding-DNA position 3185, C replaced by A.
Protein change: p.Thr1062Asn; replaces threonine 1062 with asparagine.
Molecular consequence: missense variant.
Genome position (GRCh38, 1-based): chr14:75,046,471, G>T on the plus strand (C>A on the coding strand, the complement: MLH3 is on the minus strand). VCF-style: chr14-75046471-G-T. GRCh37 (hg19) VCF-style: chr14-75513174-G-T.
Other names: c.3185C>A, p.Thr1062Asn (NM_014381.3); short protein forms T1062N.
Identifiers: ClinVar variation 1728576 (VCV001728576.3), dbSNP rs2139545941, ClinGen allele CA390435258.